The following is an entry in ClinVar:

NC_000012.11:g.(?_114803950)_(114823392_?)dup

Gene: TBX5 (T-box transcription factor 5; minus strand). Cytogenetic location: 12q24.21.
Variant type: Duplication.
Identifiers: ClinVar variation 1492913 (VCV001492913.4).

ClinVar aggregate classification (germline): Likely pathogenic (1 of 4 stars; one submission).

Conditions:
Aortic valve disease 2 (AOVD2). Identifiers: MedGen C3542024, MONDO:0013902, OMIM 614823.

Submission:

Labcorp Genetics (formerly Invitae), Labcorp
Classification: Likely pathogenic for Aortic valve disease 2. Last evaluated: 2021-11-28. Review status: criteria provided, single submitter. Criteria: Invitae Variant Classification Sherloc (09022015). Collection method: clinical testing. Allele origin: germline.
Comment: In summary, the currently available evidence indicates that the variant is pathogenic, but additional data are needed to prove that conclusively. Therefore, this variant has been classified as Likely Pathogenic. A similar copy number variant has been observed in individual(s) with clinical features of TBX5-related conditions (Invitae). This variant results in a copy number gain of the genomic region encompassing exon(s) 7-8 of the TBX5 gene. While the exact position of this variant cannot be determined from the data, sub-genic copy number gains are generally in tandem (PMID: 25640679). This variant is predicted to be out-of-frame, and may result in an absent or disrupted protein product. Loss-of-function variants in TBX5 are known to be pathogenic (PMID: 16183809, 16917909).

Literature cited by the submitters: PubMed 25640679; PubMed 16183809; PubMed 16917909.